The following is an entry in ClinVar:

ClinVar aggregate classification (germline): Uncertain significance (1 of 4 stars; one submission).

gnomAD v4.1: 2 of 1,613,900 alleles (0.00012%); highest among the groups gnomAD compares: Non-Finnish European, 0.00017%; no homozygotes.

Submission:

Labcorp Genetics (formerly Invitae), Labcorp
Classification: Uncertain significance. Last evaluated: 2025-07-15. Review status: criteria provided, single submitter. Criteria: Invitae Variant Classification Sherloc (09022015). Collection method: clinical testing. Allele origin: germline.
Comment: This sequence change replaces proline, which is neutral and non-polar, with serine, which is neutral and polar, at codon 297 of the CDH2 protein (p.Pro297Ser). This variant is not present in population databases (gnomAD no frequency). This variant has not been reported in the literature in individuals affected with CDH2-related conditions. An algorithm developed to predict the effect of missense changes on protein structure and function (PolyPhen-2) suggests that this variant is likely to be disruptive. In summary, the available evidence is currently insufficient to determine the role of this variant in disease. Therefore, it has been classified as a Variant of Uncertain Significance.

NM_001792.5(CDH2):c.889C>T (p.Pro297Ser)

Gene: CDH2 (cadherin 2; minus strand). Cytogenetic location: 18q12.1.
Variant type: single nucleotide variant.
Coding change: c.889C>T on transcript NM_001792.5 (MANE Select); coding-DNA position 889, C replaced by T.
Protein change: p.Pro297Ser; replaces proline 297 with serine.
Molecular consequence: missense variant.
Genome position (GRCh38, 1-based): chr18:28,003,128, G>A on the plus strand (C>T on the coding strand, the complement: CDH2 is on the minus strand). VCF-style: chr18-28003128-G-A. GRCh37 (hg19) VCF-style: chr18-25583092-G-A.
Other names: c.796C>T, p.Pro266Ser (NM_001308176.2); short protein forms P266S, P297S.
Identifiers: ClinVar variation 4799674 (VCV004799674.1).